The following is an entry in ClinVar:

NM_001358235.2(DCHS2):c.9890C>T (p.Pro3297Leu)

Genes: DCHS2 (dachsous cadherin-related 2; minus strand), DCHS2-AS1 (DCHS2 antisense RNA 1; plus strand). Cytogenetic location: 4q31.3.
Variant type: single nucleotide variant.
Coding change: c.9890C>T on transcript NM_001358235.2 (MANE Select); coding-DNA position 9890, C replaced by T.
Protein change: p.Pro3297Leu; replaces proline 3297 with leucine.
Molecular consequence: missense variant.
Genome position (GRCh38, 1-based): chr4:154,234,762, G>A on the plus strand (C>T on the coding strand, the complement: DCHS2 is on the minus strand). VCF-style: chr4-154234762-G-A. GRCh37 (hg19) VCF-style: chr4-155155914-G-A.
Other names: short protein forms P3297L.
Identifiers: ClinVar variation 3038824 (VCV003038824.2), dbSNP rs61746111, ClinGen allele CA3111656.

ClinVar aggregate classification (germline): Benign (0 of 4 stars; one submission).

Conditions:
DCHS2-related disorder. Also called: DCHS2-related condition.

Allele frequency attached by ClinVar (database versions not stated): 1000 Genomes Project 0.01258; TOPMed 0.01271; 1000 Genomes Project 30x 0.01374; ESP Exome Variant Server 0.01384.
gnomAD v4.1: 3,426 of 1,613,976 alleles (0.21%); highest among the groups gnomAD compares: African/African-American, 4%; 55 homozygotes.

Submission:

PreventionGenetics, part of Exact Sciences
Classification: Benign for DCHS2-related condition. Last evaluated: 2019-06-04. Review status: no assertion criteria provided. Collection method: clinical testing. Allele origin: germline.
Comment: This variant is classified as benign based on ACMG/AMP sequence variant interpretation guidelines (Richards et al. 2015 PMID: 25741868, with internal and published modifications).